The following is an entry in ClinVar:

ClinVar aggregate classification (germline): Conflicting classifications of pathogenicity. Review status: criteria provided, conflicting classifications (1 of 4 stars). 2 submissions from 2 submitters: Uncertain significance (1); Likely benign (1). Last evaluated 2025-12-01.

Conditions:
Bethlem myopathy 1A. Also called: MYOPATHY, BENIGN CONGENITAL, WITH CONTRACTURES; Bethlem myopathy 1; Bethlem Muscular Dystrophy. Identifiers: Orphanet 610, MedGen CN029274, MONDO:0024530, OMIM 158810.

Allele frequency attached by ClinVar (database versions not stated): gnomAD 0.00001; TOPMed 0.00001; gnomAD exomes 0.00004; ExAC 0.00005.
gnomAD v4.1: 15 of 1,612,980 alleles (0.00093%); highest among the groups gnomAD compares: Admixed American, 0.017%; no homozygotes.

Submissions (2):

CeGaT Center for Human Genetics Tuebingen
Classification: Uncertain significance. Last evaluated: 2025-12-01. Review status: criteria provided, single submitter. Criteria: CeGaT Center For Human Genetics Tuebingen Variant Classification Criteria Version 2. Collection method: clinical testing. Allele origin: germline. Affected: yes. Observed: 1 variant allele.
Comment: COL6A2: PM2, BP4

Labcorp Genetics (formerly Invitae), Labcorp
Classification: Likely benign for Bethlem myopathy 1A. Last evaluated: 2025-10-09. Review status: criteria provided, single submitter. Criteria: Invitae Variant Classification Sherloc (09022015). Collection method: clinical testing. Allele origin: germline.

NM_001849.4(COL6A2):c.955-6C>T

Gene: COL6A2 (collagen type VI alpha 2 chain; plus strand). Cytogenetic location: 21q22.3.
Variant type: single nucleotide variant.
Coding change: c.955-6C>T on transcript NM_001849.4 (MANE Select); 6 bases into the intron before coding-DNA position 955, C replaced by T.
Molecular consequence: intron variant.
Genome position (GRCh38, 1-based): chr21:46,116,764, C>T. VCF-style: chr21-46116764-C-T. GRCh37 (hg19) VCF-style: chr21-47536678-C-T.
Other names: c.955-6C>T (NM_058175.3, NM_058174.3).
Identifiers: ClinVar variation 1620407 (VCV001620407.13), dbSNP rs781214021, ClinGen allele CA10071593.